The following is an entry in ClinVar:

NM_003036.4(SKI):c.138C>T (p.Ala46=)

Gene: SKI (SKI proto-oncogene; plus strand). Cytogenetic location: 1p36.33.
Variant type: single nucleotide variant.
Coding change: c.138C>T on transcript NM_003036.4 (MANE Select); coding-DNA position 138, C replaced by T.
Protein change: p.Ala46=; no amino-acid change (alanine 46 retained).
Molecular consequence: synonymous variant.
Genome position (GRCh38, 1-based): chr1:2,228,904, C>T. VCF-style: chr1-2228904-C-T. GRCh37 (hg19) VCF-style: chr1-2160343-C-T.
Other names: p.A46A:GCC>GCT.
Identifiers: ClinVar variation 213665 (VCV000213665.35), dbSNP rs745527890, ClinGen allele CA322809.

ClinVar aggregate classification (germline): Benign/Likely benign. Review status: criteria provided, multiple submitters, no conflicts (2 of 4 stars). 4 submissions from 4 submitters: Benign (2); Likely benign (2). Last evaluated 2025-12-01.

Conditions:
Shprintzen-Goldberg syndrome (SGS). Also called: SHPRINTZEN-GOLDBERG CRANIOSYNOSTOSIS SYNDROME; CRANIOSYNOSTOSIS WITH ARACHNODACTYLY AND ABDOMINAL HERNIAS; Marfanoid disorder with craniosynostosis type 1; Marfanoid craniosynostosis syndrome; Shprintzen-Goldberg marfanoid syndrome. Identifiers: Orphanet 2462, MedGen C1321551, MONDO:0008426, OMIM 182212.
Familial thoracic aortic aneurysm and aortic dissection (TAAD). Also called: Thoracic aortic aneurysms and dissections. Identifiers: Orphanet 91387, MedGen C4707243, MONDO:0019625.

Allele frequency attached by ClinVar (database versions not stated): TOPMed 0.00003; gnomAD 0.00004 and 0.00010; gnomAD exomes 0.00041; ExAC 0.00122.
gnomAD v4.1: 125 of 1,416,666 alleles (0.0088%); highest among the groups gnomAD compares: South Asian, 0.11%; no homozygotes.

Submissions (4):

CeGaT Center for Human Genetics Tuebingen
Classification: Likely benign. Last evaluated: 2025-12-01. Review status: criteria provided, single submitter. Criteria: CeGaT Center For Human Genetics Tuebingen Variant Classification Criteria Version 2. Collection method: clinical testing. Allele origin: germline. Affected: yes. Observed: 3 variant alleles.
Comment: SKI: BP4, BP7, BS1

Labcorp Genetics (formerly Invitae), Labcorp
Classification: Benign for Shprintzen-Goldberg syndrome. Last evaluated: 2025-06-15. Review status: criteria provided, single submitter. Criteria: Invitae Variant Classification Sherloc (09022015). Collection method: clinical testing. Allele origin: germline.

Ambry Genetics
Classification: Likely benign for Familial thoracic aortic aneurysm and aortic dissection. Last evaluated: 2023-02-03. Review status: criteria provided, single submitter. Criteria: Ambry Variant Classification Scheme 2023. Collection method: clinical testing. Allele origin: germline.

GeneDx
Classification: Benign. Last evaluated: 2015-01-06. Review status: criteria provided, single submitter. Criteria: GeneDx Variant Classification (06012015). Collection method: clinical testing. Allele origin: germline. Affected: yes.
Comment: This variant is considered likely benign or benign based on one or more of the following criteria: it is a conservative change, it occurs at a poorly conserved position in the protein, it is predicted to be benign by multiple in silico algorithms, and/or has population frequency not consistent with disease.